The following is an entry in ClinVar:

ClinVar aggregate classification (germline): Conflicting classifications of pathogenicity. Review status: criteria provided, conflicting classifications (1 of 4 stars). 4 submissions from 4 submitters: Uncertain significance (2); Likely benign (2). Last evaluated 2025-12-08.

Conditions:
Inborn genetic diseases. Identifiers: MedGen C0950123, MeSH D030342.
Spinocerebellar ataxia type 42. Identifiers: Orphanet 458803, MedGen C4225205, MONDO:0014776, OMIM 616795.

Allele frequency attached by ClinVar (database versions not stated): gnomAD 0.00002; TOPMed 0.00005; ExAC 0.00008.
gnomAD v4.1: 93 of 1,612,846 alleles (0.0058%); highest among the groups gnomAD compares: Middle Eastern, 0.016%; no homozygotes.

Submissions (4):

Labcorp Genetics (formerly Invitae), Labcorp
Classification: Likely benign. Last evaluated: 2025-12-08. Review status: criteria provided, single submitter. Criteria: Invitae Variant Classification Sherloc (09022015). Collection method: clinical testing. Allele origin: germline.

Ambry Genetics
Classification: Likely benign for Inborn genetic diseases. Last evaluated: 2024-10-19. Review status: criteria provided, single submitter. Criteria: Ambry Variant Classification Scheme 2023. Collection method: clinical testing. Allele origin: germline.

Revvity Omics, Revvity
Classification: Uncertain significance. Last evaluated: 2024-10-04. Review status: criteria provided, single submitter. Criteria: ACMG Guidelines, 2015. Collection method: clinical testing. Allele origin: germline.

Molecular Genetics, Royal Melbourne Hospital
Classification: Uncertain significance for Spinocerebellar ataxia type 42. Last evaluated: 2023-06-15. Review status: criteria provided, single submitter. Criteria: ACMG Guidelines, 2015. Collection method: clinical testing. Allele origin: germline. Inheritance: Autosomal dominant inheritance.
Comment: This sequence change in CACNA1G is predicted to replace arginine with tryptophan at codon 672, p.(Arg672Trp). The arginine residue is moderately conserved (54/96 vertebrates, UCSC), and is located in the cytoplasmic. There is a large physicochemical difference between arginine and tryptophan. The highest population minor allele frequency in the population database gnomAD v2.1 is 0.008% (3/35,314 alleles) in the Latino/admixed American population. To our knowledge, this variant has not been reported in the literature in any individuals with CACNA1G-related disease. The variant has been classified as likely benign and a variant of uncertain significance in ClinVar (ID: 2067385). Multiple lines of computational evidence have conflicting predictions for the missense substitution (3/6 algorithms predict deleterious). Based on the classification scheme RMH Modified ACMG Guidelines v1.5.1, this variant is classified as a VARIANT OF UNCERTAIN SIGNIFICANCE. Following criteria are met: none.

NM_018896.5(CACNA1G):c.2014C>T (p.Arg672Trp)

Gene: CACNA1G (calcium voltage-gated channel subunit alpha1 G; plus strand). Cytogenetic location: 17q21.33.
Variant type: single nucleotide variant.
Coding change: c.2014C>T on transcript NM_018896.5 (MANE Select); coding-DNA position 2014, C replaced by T.
Protein change: p.Arg672Trp; replaces arginine 672 with tryptophan.
Molecular consequence: missense variant. On other transcripts: non-coding transcript variant (5).
Genome position (GRCh38, 1-based): chr17:50,578,277, C>T. VCF-style: chr17-50578277-C-T. GRCh37 (hg19) VCF-style: chr17-48655638-C-T.
Other names: c.2014C>T, p.Arg672Trp (NM_001256324.2, NM_001256325.2, NM_001256326.2 and 24 more transcripts); c.2014C>T (NM_018896.3); short protein forms R672W.
Identifiers: ClinVar variation 2067385 (VCV002067385.9), dbSNP rs747347699, ClinGen allele CA8652298.
Genomic context (GRCh38, chr17:50,578,277, plus strand): 5'-AGCCCTTGCTTGAAAGCAGACAGTGGAGCCTGTGGTCCAGACAGCTGCCCCTACTGTGCC[C>T]GGGCCGGGGCAGGGGAGGTGGAGCTCGCCGACCGTGAAATGCCTGACTCAGACAGCGAGG-3'
Protein context (NP_061496.2, residues 662-682): CGPDSCPYCA[Arg672Trp]AGAGEVELAD